The following is an entry in ClinVar:

NM_000238.4(KCNH2):c.2405A>G (p.Asn802Ser)

Gene: KCNH2 (potassium voltage-gated channel subfamily H member 2; minus strand). Cytogenetic location: 7q36.1.
Variant type: single nucleotide variant.
Coding change: c.2405A>G on transcript NM_000238.4 (MANE Select); coding-DNA position 2405, A replaced by G.
Protein change: p.Asn802Ser; replaces asparagine 802 with serine.
Molecular consequence: missense variant.
Genome position (GRCh38, 1-based): chr7:150,949,043, T>C on the plus strand (A>G on the coding strand, the complement: KCNH2 is on the minus strand). VCF-style: chr7-150949043-T-C. GRCh37 (hg19) VCF-style: chr7-150646131-T-C.
Other names: c.1385A>G, p.Asn462Ser (NM_172057.3); short protein forms N462S, N802S.
Identifiers: ClinVar variation 216326 (VCV000216326.9), dbSNP rs863224632, ClinGen allele CA337238.

ClinVar aggregate classification (germline): Uncertain significance. Review status: criteria provided, multiple submitters, no conflicts (2 of 4 stars). 4 submissions from 4 submitters: Uncertain significance (4). Last evaluated 2025-04-09.

Conditions:
Cardiovascular phenotype. Identifiers: MedGen CN230736.
Long QT syndrome (LQTS). Identifiers: MedGen C0023976, MeSH D008133, MONDO:0002442. Disease mechanism: loss of function. Inheritance: Various modes of inheritance.
Short QT syndrome type 1. Identifiers: Orphanet 51083, MedGen C1865020, MONDO:0012312, OMIM 609620.
Long QT syndrome 2 (LQT2). Identifiers: Orphanet 101016, Orphanet 768, MedGen C3150943, MONDO:0013367, OMIM 613688.

Allele frequency attached by ClinVar (database versions not stated): gnomAD exomes 0.00001.
gnomAD v4.1: 18 of 1,614,054 alleles (0.0011%); highest among the groups gnomAD compares: Non-Finnish European, 0.0015%; no homozygotes.

Submissions (4):

Molecular Diagnostic Laboratory for Inherited Cardiovascular Disease, Montreal Heart Institute
Classification: Uncertain significance for Cardiovascular phenotype. Last evaluated: 2025-04-09. Review status: criteria provided, single submitter. Criteria: ACMG Guidelines, 2015. Collection method: clinical testing. Allele origin: germline. Affected: yes.

Labcorp Genetics (formerly Invitae), Labcorp
Classification: Uncertain significance for Long QT syndrome. Last evaluated: 2025-01-23. Review status: criteria provided, single submitter. Criteria: Invitae Variant Classification Sherloc (09022015). Collection method: clinical testing. Allele origin: germline.
Comment: This sequence change replaces asparagine, which is neutral and polar, with serine, which is neutral and polar, at codon 802 of the KCNH2 protein (p.Asn802Ser). This variant is not present in population databases (gnomAD no frequency). This missense change has been observed in individual(s) with long QT Syndrome (internal data). ClinVar contains an entry for this variant (Variation ID: 216326). An algorithm developed to predict the effect of missense changes on protein structure and function (PolyPhen-2) suggests that this variant is likely to be disruptive. In summary, the available evidence is currently insufficient to determine the role of this variant in disease. Therefore, it has been classified as a Variant of Uncertain Significance.

AiLife Diagnostics
Classification: Uncertain significance. Last evaluated: 2022-03-07. Review status: criteria provided, single submitter. Criteria: ACMG Guidelines, 2015. Collection method: clinical testing. Allele origin: germline. Affected: yes. Observed: 1 variant allele.

Fulgent Genetics
Classification: Uncertain significance for Short QT syndrome type 1; Long QT syndrome 2. Last evaluated: 2021-08-18. Review status: criteria provided, single submitter. Criteria: ACMG Guidelines, 2015. Collection method: clinical testing. Allele origin: unknown.